The following is an entry in ClinVar:

ClinVar aggregate classification (germline): Uncertain significance (1 of 4 stars; one submission).

Submission:

Labcorp Genetics (formerly Invitae), Labcorp
Classification: Uncertain significance. Last evaluated: 2025-05-26. Review status: criteria provided, single submitter. Criteria: Invitae Variant Classification Sherloc (09022015). Collection method: clinical testing. Allele origin: germline.
Comment: This sequence change replaces serine, which is neutral and polar, with tyrosine, which is neutral and polar, at codon 723 of the KMT2A protein (p.Ser723Tyr). This variant is not present in population databases (gnomAD no frequency). This variant has not been reported in the literature in individuals affected with KMT2A-related conditions. Invitae Evidence Modeling of protein sequence and biophysical properties (such as structural, functional, and spatial information, amino acid conservation, physicochemical variation, residue mobility, and thermodynamic stability) has been performed for this missense variant. However, the output from this modeling did not meet the statistical confidence thresholds required to predict the impact of this variant on KMT2A protein function. In summary, the available evidence is currently insufficient to determine the role of this variant in disease. Therefore, it has been classified as a Variant of Uncertain Significance.

NM_001197104.2(KMT2A):c.2168C>A (p.Ser723Tyr)

Gene: KMT2A (lysine methyltransferase 2A; plus strand). Cytogenetic location: 11q23.3.
Variant type: single nucleotide variant.
Coding change: c.2168C>A on transcript NM_001197104.2 (MANE Select); coding-DNA position 2168, C replaced by A.
Protein change: p.Ser723Tyr; replaces serine 723 with tyrosine.
Molecular consequence: missense variant.
Genome position (GRCh38, 1-based): chr11:118,473,327, C>A. VCF-style: chr11-118473327-C-A. GRCh37 (hg19) VCF-style: chr11-118344042-C-A.
Other names: c.2267C>A, p.Ser756Tyr (NM_001412597.1); c.2168C>A, p.Ser723Tyr (NM_005933.4); short protein forms S723Y, S756Y.
Identifiers: ClinVar variation 4800520 (VCV004800520.1).
Genomic context (GRCh38, chr11:118,473,327, plus strand): 5'-CTCCAAGTGAGGCTCACTCTAGAATATTTGAGTCTGTAACCTTGCCTAGTAATCGAACTT[C>A]TGCTGGAACATCTTCTTCAGGAGTATCCAATAGAAAAAGGAAAAGAAAAGTGTTTAGTCC-3'
Protein context (NP_001184033.1, residues 713-733): ESVTLPSNRT[Ser723Tyr]AGTSSSGVSN